The following is an entry in ClinVar:

NM_000492.4(CFTR):c.1978del (p.Ser660fs)

Gene: CFTR (CF transmembrane conductance regulator; plus strand). Cytogenetic location: 7q31.2.
Variant type: Deletion.
Coding change: c.1978del on transcript NM_000492.4 (MANE Select); coding-DNA position 1978, one base deleted (T; older notation c.1978delT).
Protein change: p.Ser660fs; shifts the reading frame from serine 660.
Molecular consequence: frameshift variant.
Genome position (GRCh38, 1-based): chr7:117,592,145, T deleted; the last of 2 consecutive T bases (chr7:117,592,144-117,592,145); deleting either gives the same sequence. VCF-style (leftmost placement, unchanged base first): chr7-117592143-AT-A. GRCh37 (hg19) VCF-style: chr7-117232197-AT-A.
Other names: short protein forms S660fs.
Identifiers: ClinVar variation 3639122 (VCV003639122.2).
Genomic context (GRCh38, chr7:117,592,143, plus strand): 5'-ACTTTAGCTCAAAACTCATGGGATGTGATTCTTTCGACCAATTTAGTGCAGAAAGAAGAA[AT>A]TCAATCCTAACTGAGACCTTACACCGTTTCTCATTAGAAGGAGATGCTCCTGTCTCCTGG-3'

ClinVar aggregate classification (germline): Pathogenic (1 of 4 stars; one submission).

Conditions:
Cystic fibrosis (CF). Also called: MUCOVISCIDOSIS. Identifiers: Orphanet 586, MedGen C0010674, MONDO:0009061, OMIM 219700. Disease mechanism: loss of function.

Submission:

Labcorp Genetics (formerly Invitae), Labcorp
Classification: Pathogenic for Cystic fibrosis. Last evaluated: 2024-02-06. Review status: criteria provided, single submitter. Criteria: Invitae Variant Classification Sherloc (09022015). Collection method: clinical testing. Allele origin: germline.
Comment: This sequence change creates a premature translational stop signal (p.Ser660Glnfs*3) in the CFTR gene. It is expected to result in an absent or disrupted protein product. Loss-of-function variants in CFTR are known to be pathogenic (PMID: 1695717, 7691345, 9725922). This variant is not present in population databases (gnomAD no frequency). This variant has not been reported in the literature in individuals affected with CFTR-related conditions. For these reasons, this variant has been classified as Pathogenic.

Literature cited by the submitters: PubMed 1695717; PubMed 7691345; PubMed 9725922.